The following is an entry in ClinVar:

ClinVar aggregate classification (germline): Pathogenic (1 of 4 stars; one submission).

Conditions:
Glycogen storage disease, type II (IOPD). Also called: CARDIOMEGALIA GLYCOGENICA DIFFUSA; Glucosidase acid-1,4-alpha deficiency; Pompe Disease; GLYCOGENOSIS, GENERALIZED, CARDIAC FORM; GSD II; Glycogen storage disease type 2. Identifiers: Orphanet 365, MedGen C0017921, MONDO:0009290, OMIM 232300.

Submission:

Labcorp Genetics (formerly Invitae), Labcorp
Classification: Pathogenic for Glycogen storage disease, type II. Last evaluated: 2022-11-16. Review status: criteria provided, single submitter. Criteria: Invitae Variant Classification Sherloc (09022015). Collection method: clinical testing. Allele origin: germline.
Comment: This sequence change creates a premature translational stop signal (p.Glu835Argfs*49) in the GAA gene. It is expected to result in an absent or disrupted protein product. Loss-of-function variants in GAA are known to be pathogenic (PMID: 18425781, 22252923). For these reasons, this variant has been classified as Pathogenic. This variant has not been reported in the literature in individuals affected with GAA-related conditions. This variant is not present in population databases (gnomAD no frequency).

Literature cited by the submitters: PubMed 18425781; PubMed 22252923.

NM_000152.5(GAA):c.2502dup (p.Glu835fs)

Gene: GAA (alpha glucosidase; plus strand). Cytogenetic location: 17q25.3.
Variant type: Duplication.
Coding change: c.2502dup on transcript NM_000152.5 (MANE Select); coding-DNA position 2502, one base duplicated (A; older notation c.2502dupA).
Protein change: p.Glu835fs; shifts the reading frame from glutamic acid 835.
Molecular consequence: frameshift variant.
Genome position (GRCh38, 1-based): chr17:80,118,213, A duplicated. VCF-style (leftmost placement, unchanged base first): chr17-80118212-C-CA. GRCh37 (hg19) VCF-style: chr17-78092011-C-CA.
Other names: c.2502dup, p.Glu835fs (NM_001079803.3, NM_001079804.3, NM_001406741.1 and 1 more transcripts); short protein forms E835fs.
Identifiers: ClinVar variation 2814773 (VCV002814773.3), dbSNP rs2510402131, ClinGen allele CA2739268474.